The following is an entry in ClinVar:

NM_000088.4(COL1A1):c.3262-2A>T

Gene: COL1A1 (collagen type I alpha 1 chain; minus strand). Cytogenetic location: 17q21.33.
Variant type: single nucleotide variant.
Coding change: c.3262-2A>T on transcript NM_000088.4 (MANE Select); the canonical splice acceptor site of the intron before coding-DNA position 3262, A replaced by T.
Molecular consequence: splice acceptor variant.
Genome position (GRCh38, 1-based): chr17:50,187,985, T>A on the plus strand (A>T on the coding strand, the complement: COL1A1 is on the minus strand). VCF-style: chr17-50187985-T-A. GRCh37 (hg19) VCF-style: chr17-48265346-T-A.
Identifiers: ClinVar variation 4884187 (VCV004884187.2).

ClinVar aggregate classification (germline): Likely pathogenic (1 of 4 stars; one submission).

Conditions:
Osteogenesis imperfecta type I (OI1). Also called: OI, TYPE I; OSTEOGENESIS IMPERFECTA TARDA; OSTEOGENESIS IMPERFECTA WITH BLUE SCLERAE; Osteogenesis imperfecta type 1; Lobstein's Disease; Lobstein disease. Identifiers: Orphanet 216796, Orphanet 666, MedGen C0023931, MONDO:0008146, OMIM 166200. Disease mechanism: loss of function.

Submission:

Dasa
Classification: Likely pathogenic for Osteogenesis imperfecta type I. Last evaluated: 2025-10-16. Review status: criteria provided, single submitter. Criteria: DASA Assertion Criteria. Collection method: clinical testing. Allele origin: germline.
Comment: NM_000088.4(COL1A1):c.3262-2A>T affects a canonical splice site and is predicted to disrupt normal RNA splicing. Loss of function is an established disease mechanism for COL1A1 (PMID: 9067755; PMID: 9016532). This variant affects a canonical splice-site context with prior evidence supporting clinical relevance. This variant has been reported in individuals with COL1A1-related disorders. Also, this variant is absent from population databases. Based on the currently available evidence, this variant is classified as likely pathogenic.

Literature cited by the submitters: PubMed 9067755; PubMed 9016532.